The following is an entry in ClinVar:

ClinVar aggregate classification (germline): Uncertain significance. Review status: criteria provided, multiple submitters, no conflicts (2 of 4 stars). 2 submissions from 2 submitters: Uncertain significance (2). Last evaluated 2026-09-14.

Conditions:
Nephronophthisis 15 (NPHP15). Identifiers: Orphanet 3156, MedGen C3541853, MONDO:0013917, OMIM 614845.
CEP164-related disorder. Also called: CEP164-related condition.

Allele frequency attached by ClinVar (database versions not stated): gnomAD 0.00001; TOPMed 0.00001.
gnomAD v4.1: 1 of 1,613,948 alleles (0.000062%); highest among the groups gnomAD compares: Non-Finnish European, 0.000085%; no homozygotes.

Submissions (2):

PreventionGenetics, part of Exact Sciences
Classification: Uncertain significance for CEP164-related condition. Last evaluated: 2026-09-14. Review status: criteria provided, single submitter. Criteria: ACMG Guidelines, 2015. Collection method: clinical testing. Allele origin: germline.
Comment: The CEP164 c.2866A>G variant is predicted to result in the amino acid substitution p.Lys956Glu. To our knowledge, this variant has not been reported in the literature. This variant is reported in 0.0065% of alleles in individuals of European (Non-Finnish) descent in gnomAD. At this time, the clinical significance of this variant is uncertain due to the absence of conclusive functional and genetic evidence.

Labcorp Genetics (formerly Invitae), Labcorp
Classification: Uncertain significance for Nephronophthisis 15. Last evaluated: 2024-02-17. Review status: criteria provided, single submitter. Criteria: Invitae Variant Classification Sherloc (09022015). Collection method: clinical testing. Allele origin: germline.
Comment: This sequence change replaces lysine, which is basic and polar, with glutamic acid, which is acidic and polar, at codon 956 of the CEP164 protein (p.Lys956Glu). This variant is present in population databases (no rsID available, gnomAD 0.007%). This variant has not been reported in the literature in individuals affected with CEP164-related conditions. ClinVar contains an entry for this variant (Variation ID: 860948). Advanced modeling of protein sequence and biophysical properties (such as structural, functional, and spatial information, amino acid conservation, physicochemical variation, residue mobility, and thermodynamic stability) performed at Invitae indicates that this missense variant is not expected to disrupt CEP164 protein function with a negative predictive value of 80%. In summary, the available evidence is currently insufficient to determine the role of this variant in disease. Therefore, it has been classified as a Variant of Uncertain Significance.

NM_014956.5(CEP164):c.2866A>G (p.Lys956Glu)

Gene: CEP164 (centrosomal protein 164; plus strand). Cytogenetic location: 11q23.3.
Variant type: single nucleotide variant.
Coding change: c.2866A>G on transcript NM_014956.5 (MANE Select); coding-DNA position 2866, A replaced by G.
Protein change: p.Lys956Glu; replaces lysine 956 with glutamic acid.
Molecular consequence: missense variant.
Genome position (GRCh38, 1-based): chr11:117,395,144, A>G. VCF-style: chr11-117395144-A-G. GRCh37 (hg19) VCF-style: chr11-117265860-A-G.
Other names: c.2875A>G, p.Lys959Glu (NM_001271933.2); short protein forms K959E, K956E.
Identifiers: ClinVar variation 860948 (VCV000860948.10), dbSNP rs1217613639, ClinGen allele CA382730234.